The following is an entry in ClinVar:

NM_000260.4(MYO7A):c.4735G>T (p.Glu1579Ter)

Gene: MYO7A (myosin VIIA; plus strand). Cytogenetic location: 11q13.5.
Variant type: single nucleotide variant.
Coding change: c.4735G>T on transcript NM_000260.4 (MANE Select); coding-DNA position 4735, G replaced by T.
Protein change: p.Glu1579Ter; replaces glutamic acid 1579 with a stop codon.
Molecular consequence: nonsense.
Genome position (GRCh38, 1-based): chr11:77,199,701, G>T. VCF-style: chr11-77199701-G-T. GRCh37 (hg19) VCF-style: chr11-76910746-G-T.
Other names: c.4621G>T, p.Glu1541Ter (NM_001127180.2); c.4588G>T, p.Glu1530Ter (NM_001369365.1); short protein forms E1579*, E1530*, E1541*.
Identifiers: ClinVar variation 3639449 (VCV003639449.2).
Genomic context (GRCh38, chr11:77,199,701, plus strand): 5'-TCCTGCAGGGGAGCGAAAACGACGGCCCCCAGCTTCACGCTGGCCACCATCAAGGGGGAC[G>T]AATACACCTTCACCTCCAGCAATGCTGAGGACATTCGTGACCTGGTGGTCACCTTCCTAG-3'

ClinVar aggregate classification (germline): Pathogenic (1 of 4 stars; one submission).

Submission:

Labcorp Genetics (formerly Invitae), Labcorp
Classification: Pathogenic. Last evaluated: 2024-02-13. Review status: criteria provided, single submitter. Criteria: Invitae Variant Classification Sherloc (09022015). Collection method: clinical testing. Allele origin: germline.
Comment: This sequence change creates a premature translational stop signal (p.Glu1579*) in the MYO7A gene. It is expected to result in an absent or disrupted protein product. Loss-of-function variants in MYO7A are known to be pathogenic (PMID: 8900236, 25404053). This variant is not present in population databases (gnomAD no frequency). This variant has not been reported in the literature in individuals affected with MYO7A-related conditions. For these reasons, this variant has been classified as Pathogenic.

Literature cited by the submitters: PubMed 8900236; PubMed 25404053.